The following is an entry in ClinVar:

NM_006904.7(PRKDC):c.9590T>G (p.Leu3197Arg)

Gene: PRKDC (protein kinase, DNA-activated, catalytic subunit; minus strand). Cytogenetic location: 8q11.21.
Variant type: single nucleotide variant.
Coding change: c.9590T>G on transcript NM_006904.7 (MANE Select); coding-DNA position 9590, T replaced by G.
Protein change: p.Leu3197Arg; replaces leucine 3197 with arginine.
Molecular consequence: missense variant.
Genome position (GRCh38, 1-based): chr8:47,807,294, A>C on the plus strand (T>G on the coding strand, the complement: PRKDC is on the minus strand). VCF-style: chr8-47807294-A-C. GRCh37 (hg19) VCF-style: chr8-48719855-A-C.
Other names: c.9590T>G, p.Leu3197Arg (NM_001081640.2); short protein forms L3197R.
Identifiers: ClinVar variation 3425310 (VCV003425310.1).

ClinVar aggregate classification (germline): Uncertain significance (1 of 4 stars; one submission).

Submission:

Ambry Genetics
Classification: Uncertain significance. Last evaluated: 2024-08-26. Review status: criteria provided, single submitter. Criteria: Ambry Variant Classification Scheme 2023. Collection method: clinical testing. Allele origin: germline.
Comment: The p.L3197R variant (also known as c.9590T>G), located in coding exon 69 of the PRKDC gene, results from a T to G substitution at nucleotide position 9590. The leucine at codon 3197 is replaced by arginine, an amino acid with dissimilar properties. This amino acid position is conserved. Based on the available evidence, the clinical significance of this variant remains unclear.